The following is an entry in ClinVar:

ClinVar aggregate classification (germline): Uncertain significance (1 of 4 stars; one submission).

Submission:

Women's Health and Genetics/Laboratory Corporation of America, LabCorp
Classification: Uncertain significance. Last evaluated: 2026-04-28. Review status: criteria provided, single submitter. Criteria: LabCorp Variant Classification Summary - May 2015. Collection method: clinical testing. Allele origin: germline.
Comment: Variant summary: ZSWIM6 c.3199C>T (p.Pro1067Ser) results in a non-conservative amino acid change in the encoded protein sequence. Algorithms developed to predict the effect of missense changes on protein structure and function are either unavailable or do not agree on the potential impact of this missense change. The frequency data for this variant in gnomAD is considered unreliable, as metrics indicate poor data quality at this position. To our knowledge, no occurrence of c.3199C>T in individuals affected with ZSWIM6-related conditions and no experimental evidence demonstrating its impact on protein function have been reported. No submitters have cited clinical-significance assessments for this variant to ClinVar. Based on the evidence outlined above, the variant was classified as uncertain significance.

NM_020928.2(ZSWIM6):c.3199C>T (p.Pro1067Ser)

Gene: ZSWIM6 (zinc finger SWIM-type containing 6; plus strand). Cytogenetic location: 5q12.1.
Variant type: single nucleotide variant.
Coding change: c.3199C>T on transcript NM_020928.2 (MANE Select); coding-DNA position 3199, C replaced by T.
Protein change: p.Pro1067Ser; replaces proline 1067 with serine.
Molecular consequence: missense variant.
Genome position (GRCh38, 1-based): chr5:61,543,868, C>T. VCF-style: chr5-61543868-C-T. GRCh37 (hg19) VCF-style: chr5-60839695-C-T.
Other names: short protein forms P1067S.
Identifiers: ClinVar variation 4848814 (VCV004848814.1).
Genomic context (GRCh38, chr5:61,543,868, plus strand): 5'-TACAAGCTGGCCACCCTGGCCATGACCCATCTCAACCTGAGCTACAATCAGGACACACAC[C>T]CTGCCATTAATGATGTTTTGTGGGCCTGTGCGCTTAGCCACTCCCTTGGTAAAAATGAGC-3'
Protein context (NP_065979.1, residues 1057-1077): LNLSYNQDTH[Pro1067Ser]AINDVLWACA